The following is an entry in ClinVar:

NM_024915.4(GRHL2):c.-4A>T

Gene: GRHL2 (grainyhead like transcription factor 2; plus strand). Cytogenetic location: 8q22.3.
Variant type: single nucleotide variant.
Coding change: c.-4A>T on transcript NM_024915.4 (MANE Select); 4 bases upstream of the start codon, A replaced by T.
Molecular consequence: 5 prime UTR variant.
Genome position (GRCh38, 1-based): chr8:101,492,766, A>T. VCF-style: chr8-101492766-A-T. GRCh37 (hg19) VCF-style: chr8-102504994-A-T.
Other names: c.-112A>T (NM_001330593.2).
Identifiers: ClinVar variation 2691609 (VCV002691609.1), dbSNP rs1809990595, ClinGen allele CA1806352968.

ClinVar aggregate classification (germline): Uncertain significance (1 of 4 stars; one submission).

Allele frequency attached by ClinVar (database versions not stated): gnomAD exomes below 0.00001.
gnomAD v4.1: 1 of 1,613,858 alleles (0.000062%); highest among the groups gnomAD compares: Non-Finnish European, 0.000085%; no homozygotes.

Submission:

Women's Health and Genetics/Laboratory Corporation of America, LabCorp
Classification: Uncertain significance. Last evaluated: 2023-12-01. Review status: criteria provided, single submitter. Criteria: LabCorp Variant Classification Summary - May 2015. Collection method: clinical testing. Allele origin: germline.
Comment: Variant summary: GRHL2 c.-4A>T is located in the untranslated mRNA region upstream of the initiation codon. The variant was absent in 249052 control chromosomes (gnomAD). The available data on variant occurrences in the general population are insufficient to allow any conclusion about variant significance. To our knowledge, no occurrence of c.-4A>T in individuals affected with GRHL2-Related Disorders and no experimental evidence demonstrating its impact on protein function have been reported. No submitters have cited clinical-significance assessments for this variant to ClinVar after 2014. Based on the evidence outlined above, the variant was classified as uncertain significance.